The following is an entry in ClinVar:

NM_000321.3(RB1):c.2346A>G (p.Ile782Met)

Gene: RB1 (RB transcriptional corepressor 1; plus strand). Cytogenetic location: 13q14.2.
Variant type: single nucleotide variant.
Coding change: c.2346A>G on transcript NM_000321.3 (MANE Select); coding-DNA position 2346, A replaced by G.
Protein change: p.Ile782Met; replaces isoleucine 782 with methionine.
Molecular consequence: missense variant.
Genome position (GRCh38, 1-based): chr13:48,465,225, A>G. VCF-style: chr13-48465225-A-G. GRCh37 (hg19) VCF-style: chr13-49039361-A-G.
Other names: c.2346A>G, p.Ile782Met (NM_001407165.1); short protein forms I782M.
Identifiers: ClinVar variation 3072079 (VCV003072079.2), dbSNP rs2138345543, ClinGen allele CA388167790.

ClinVar aggregate classification (germline): Uncertain significance. Review status: criteria provided, multiple submitters, no conflicts (2 of 4 stars). 2 submissions from 2 submitters: Uncertain significance (2). Last evaluated 2024-04-04.

Conditions:
Hereditary cancer-predisposing syndrome. Also called: Hereditary neoplastic syndrome; Hereditary Cancer Syndrome; Neoplastic Syndromes, Hereditary; Tumor predisposition. Identifiers: Orphanet 140162, MedGen C0027672, MeSH D009386, MONDO:0015356.
Retinoblastoma (RB1). Also called: RETINOBLASTOMA, SOMATIC. Identifiers: Orphanet 790, MedGen C0035335, MeSH D012175, MONDO:0008380, OMIM 180200, HP:0009919. Disease mechanism: loss of function. Inheritance: Both sporadic and heritable forms are tested..

Submissions (2):

Ambry Genetics
Classification: Uncertain significance for Hereditary cancer-predisposing syndrome. Last evaluated: 2024-04-04. Review status: criteria provided, single submitter. Criteria: Ambry Variant Classification Scheme 2023. Collection method: clinical testing. Allele origin: germline.
Comment: The p.I782M variant (also known as c.2346A>G), located in coding exon 23 of the RB1 gene, results from an A to G substitution at nucleotide position 2346. The isoleucine at codon 782 is replaced by methionine, an amino acid with highly similar properties. This amino acid position is highly conserved in available vertebrate species. In addition, the in silico prediction for this alteration is inconclusive. Based on the available evidence, the clinical significance of this variant remains unclear.

All of Us Research Program, National Institutes of Health
Classification: Uncertain significance for Retinoblastoma. Last evaluated: 2023-06-28. Review status: criteria provided, single submitter. Criteria: ACMG Guidelines, 2015. Collection method: clinical testing. Allele origin: germline. Inheritance: Autosomal dominant inheritance. Observed: 1 variant allele, 1 heterozygote.
Comment: This study involves interpretation of variants in research participants for the purpose of population health screening. Participant phenotype was not available at the time of variant classification. Additional details can be found in publication PMID: 35346344, PMCID: PMC8962531